The following is an entry in ClinVar:

ClinVar aggregate classification (germline): Uncertain significance (1 of 4 stars; one submission).

Conditions:
Inborn genetic diseases. Identifiers: MedGen C0950123, MeSH D030342.

gnomAD v4.1: 4 of 1,614,042 alleles (0.00025%); highest among the groups gnomAD compares: Admixed American, 0.0017%; no homozygotes.

Submission:

Ambry Genetics
Classification: Uncertain significance for Inborn genetic diseases. Last evaluated: 2025-12-08. Review status: criteria provided, single submitter. Criteria: Ambry Variant Classification Scheme 2023. Collection method: clinical testing. Allele origin: germline.
Comment: The c.967C>T (p.H323Y) alteration is located in exon 8 (coding exon 7) of the WFS1 gene. This alteration results from a C to T substitution at nucleotide position 967, causing the histidine (H) at amino acid position 323 to be replaced by a tyrosine (Y). Based on data from gnomAD, the T allele has an overall frequency of 0.001% (2/251460) total alleles studied. The highest observed frequency was 0.003% (1/34580) of Latino alleles. Based on insufficient or conflicting evidence, the clinical significance of this alteration remains unclear.

NM_006005.3(WFS1):c.967C>T (p.His323Tyr)

Gene: WFS1 (wolframin ER transmembrane glycoprotein; plus strand). Cytogenetic location: 4p16.1.
Variant type: single nucleotide variant.
Coding change: c.967C>T on transcript NM_006005.3 (MANE Select); coding-DNA position 967, C replaced by T.
Protein change: p.His323Tyr; replaces histidine 323 with tyrosine.
Molecular consequence: missense variant.
Genome position (GRCh38, 1-based): chr4:6,300,762, C>T. VCF-style: chr4-6300762-C-T. GRCh37 (hg19) VCF-style: chr4-6302489-C-T.
Other names: c.967C>T, p.His323Tyr (NM_001145853.1); short protein forms H323Y.
Identifiers: ClinVar variation 4634775 (VCV004634775.1).
Genomic context (GRCh38, chr4:6,300,762, plus strand): 5'-CTGATTGACATGGCCTCCAGGGCAGGCATGCACTGGCTGTCCACCATCATCCCCACGCAC[C>T]ACATCAACGCGCTCATCTTCTTCTTCATCGTCAGCAACCTCACCATCGACTTCTTCGCCT-3'
Protein context (NP_005996.2, residues 313-333): HWLSTIIPTH[His323Tyr]INALIFFFIV